The following is an entry in ClinVar:

ClinVar aggregate classification (germline): Likely benign (1 of 4 stars; one submission).

gnomAD v4.1: 3 of 1,614,076 alleles (0.00019%); highest among the groups gnomAD compares: South Asian, 0.0011%; no homozygotes.

Submission:

CeGaT Center for Human Genetics Tuebingen
Classification: Likely benign. Last evaluated: 2026-09-01. Review status: criteria provided, single submitter. Criteria: CeGaT Center For Human Genetics Tuebingen Variant Classification Criteria Version 2. Collection method: clinical testing. Allele origin: germline. Affected: yes. Observed: 1 variant allele.
Comment: PCDHGC4: BP4, BP7

NM_018928.3(PCDHGC4):c.675C>G (p.Thr225=)

Genes: PCDHG@ (protocadherin gamma cluster; plus strand), PCDHGA1 (protocadherin gamma subfamily A, 1; plus strand), PCDHGA10 (protocadherin gamma subfamily A, 10; plus strand), PCDHGA11 (protocadherin gamma subfamily A, 11; plus strand), PCDHGA12 (protocadherin gamma subfamily A, 12; plus strand) and 17 more. Cytogenetic location: 5q31.3.
Variant type: single nucleotide variant.
Coding change: c.675C>G on transcript NM_018928.3 (MANE Select); coding-DNA position 675, C replaced by G.
Protein change: p.Thr225=; no amino-acid change (threonine 225 retained).
Molecular consequence: synonymous variant. On other transcripts: intron variant (23).
Genome position (GRCh38, 1-based): chr5:141,485,848, C>G. VCF-style: chr5-141485848-C-G. GRCh37 (hg19) VCF-style: chr5-140865415-C-G.
Other names: c.675C>G, p.Thr225= (NM_032406.1); c.2422-8959C>G (NM_018912.3, NM_018923.3, NM_018918.3); c.2425-8959C>G (NM_018915.4, NM_018916.4, NM_018919.3 and 4 more transcripts); c.2410-8959C>G (NM_018922.3); c.2515-8959C>G (NM_018917.4); c.2416-8959C>G (NM_018924.5, NM_018927.4); c.2398-8959C>G (NM_003736.4, NM_018925.3); c.2419-8959C>G (NM_018926.3); and 6 more.
Identifiers: ClinVar variation 5041725 (VCV005041725.1).